The following is an entry in ClinVar:

ClinVar aggregate classification (germline): Uncertain significance (1 of 4 stars; one submission).

Conditions:
Bethlem myopathy 1A. Also called: Bethlem myopathy 1; MYOPATHY, BENIGN CONGENITAL, WITH CONTRACTURES; Bethlem Muscular Dystrophy. Identifiers: Orphanet 610, MedGen CN029274, MONDO:0024530, OMIM 158810.

Submission:

Labcorp Genetics (formerly Invitae), Labcorp
Classification: Uncertain significance for Bethlem myopathy 1A. Last evaluated: 2024-07-25. Review status: criteria provided, single submitter. Criteria: Invitae Variant Classification Sherloc (09022015). Collection method: clinical testing. Allele origin: germline.
Comment: This sequence change replaces threonine, which is neutral and polar, with isoleucine, which is neutral and non-polar, at codon 44 of the COL6A1 protein (p.Thr44Ile). This variant is not present in population databases (gnomAD no frequency). This variant has not been reported in the literature in individuals affected with COL6A1-related conditions. Advanced modeling of protein sequence and biophysical properties (such as structural, functional, and spatial information, amino acid conservation, physicochemical variation, residue mobility, and thermodynamic stability) performed at Invitae indicates that this missense variant is not expected to disrupt COL6A1 protein function with a negative predictive value of 95%. In summary, the available evidence is currently insufficient to determine the role of this variant in disease. Therefore, it has been classified as a Variant of Uncertain Significance.

NM_001848.3(COL6A1):c.131C>T (p.Thr44Ile)

Gene: COL6A1 (collagen type VI alpha 1 chain; plus strand). Cytogenetic location: 21q22.3.
Variant type: single nucleotide variant.
Coding change: c.131C>T on transcript NM_001848.3 (MANE Select); coding-DNA position 131, C replaced by T.
Protein change: p.Thr44Ile; replaces threonine 44 with isoleucine.
Molecular consequence: missense variant.
Genome position (GRCh38, 1-based): chr21:45,982,667, C>T. VCF-style: chr21-45982667-C-T. GRCh37 (hg19) VCF-style: chr21-47402581-C-T.
Other names: short protein forms T44I.
Identifiers: ClinVar variation 3660612 (VCV003660612.2).
Genomic context (GRCh38, chr21:45,982,667, plus strand): 5'-AGGCCCCTCTCCTCCATCTTCGGCCAGACTGCCCCGTGGACCTGTTCTTTGTGCTGGACA[C>T]CTCTGAGAGCGTGGCCCTGAGGCTGAAGCCCTACGGGGCCCTCGTGGACAAAGTCAAGTC-3'
Protein context (NP_001839.2, residues 34-54): CPVDLFFVLD[Thr44Ile]SESVALRLKP